The following is an entry in ClinVar:

NM_001893.6(CSNK1D):c.793G>C (p.Asp265His)

Gene: CSNK1D (casein kinase 1 delta; minus strand). Cytogenetic location: 17q25.3.
Variant type: single nucleotide variant.
Coding change: c.793G>C on transcript NM_001893.6 (MANE Select); coding-DNA position 793, G replaced by C.
Protein change: p.Asp265His; replaces aspartic acid 265 with histidine.
Molecular consequence: missense variant. On other transcripts: non-coding transcript variant (1).
Genome position (GRCh38, 1-based): chr17:82,251,471, C>G on the plus strand (G>C on the coding strand, the complement: CSNK1D is on the minus strand). VCF-style: chr17-82251471-C-G. GRCh37 (hg19) VCF-style: chr17-80209347-C-G.
Other names: c.793G>C, p.Asp265His (NM_001363749.2, NM_139062.4); short protein forms D265H.
Identifiers: ClinVar variation 4984583 (VCV004984583.1).

ClinVar aggregate classification (germline): Uncertain significance (1 of 4 stars; one submission).

Conditions:
CSNK1D-related disorder. Also called: CSNK1D-related condition.

Submission:

PreventionGenetics, part of Exact Sciences
Classification: Uncertain significance for CSNK1D-related condition. Last evaluated: 2025-11-01. Review status: criteria provided, single submitter. Criteria: ACMG Guidelines, 2015. Collection method: clinical testing. Allele origin: germline.
Comment: The CSNK1D c.793G>C variant is predicted to result in the amino acid substitution p.Asp265His. To our knowledge, this variant has not been reported in the literature or in a large population database (gnomAD), indicating this variant is rare. At this time, the clinical significance of this variant is uncertain due to the absence of conclusive functional and genetic evidence.